The following is an entry in ClinVar:

NM_004064.5(CDKN1B):c.15_16dup (p.Val6fs)

Gene: CDKN1B (cyclin dependent kinase inhibitor 1B; plus strand). Cytogenetic location: 12p13.1.
Variant type: Duplication.
Coding change: c.15_16dup on transcript NM_004064.5 (MANE Select); coding-DNA positions 15 to 16, 2 bases duplicated (AG; older notation c.15_16dupAG).
Protein change: p.Val6fs; shifts the reading frame from valine 6.
Molecular consequence: frameshift variant.
Genome position (GRCh38, 1-based): chr12:12,717,854-12,717,855, AG duplicated; duplicating any 2 consecutive bases within chr12:12,717,853-12,717,855 gives the same sequence; the c. name uses the placement nearest the transcript's 3' end. VCF-style (leftmost placement, unchanged base first): chr12-12717852-C-CGA. GRCh37 (hg19) VCF-style: chr12-12870786-C-CGA.
Other names: short protein forms V6fs.
Identifiers: ClinVar variation 1072930 (VCV001072930.7), dbSNP rs2136355351, ClinGen allele CA2499221481.
Genomic context (GRCh38, chr12:12,717,852, plus strand): 5'-GTTTTTTTGAGAGTGCGAGAGAGGCGGTCGTGCAGACCCGGGAGAAAGATGTCAAACGTG[C>CGA]GAGTGTCTAACGGGAGCCCTAGCCTGGAGCGGATGGACGCCAGGCAGGCGGAGCACCCCA-3'

ClinVar aggregate classification (germline): Pathogenic (1 of 4 stars; one submission).

Conditions:
Multiple endocrine neoplasia type 4. Also called: MULTIPLE ENDOCRINE NEOPLASIA, TYPE IV. Identifiers: Orphanet 276152, MedGen C1970712, MONDO:0012552, OMIM 610755.

Submission:

Labcorp Genetics (formerly Invitae), Labcorp
Classification: Pathogenic for Multiple endocrine neoplasia type 4. Last evaluated: 2020-07-08. Review status: criteria provided, single submitter. Criteria: Invitae Variant Classification Sherloc (09022015). Collection method: clinical testing. Allele origin: germline.
Comment: This sequence change creates a premature translational stop signal (p.Val6Glufs*37) in the CDKN1B gene. It is expected to result in an absent or disrupted protein product. This variant is not present in population databases (ExAC no frequency). This variant has not been reported in the literature in individuals with CDKN1B-related conditions. Loss-of-function variants in CDKN1B are known to be pathogenic (PMID: 17030811, 24819502). For these reasons, this variant has been classified as Pathogenic.

Literature cited by the submitters: PubMed 17030811; PubMed 24819502.